The following continues an entry in ClinVar:

NM_000124.4(ERCC6):c.2203C>T (p.Arg735Ter)

Gene: ERCC6. ClinVar aggregate classification (germline): Pathogenic. Pathogenic (15).

Submissions 13 to 21 of 21:

Illumina Laboratory Services, Illumina
Classification: Pathogenic for ERCC6-Related Disorders. Last evaluated: 2017-04-28. Review status: criteria provided, single submitter. Criteria: ICSL Variant Classification Criteria 09 May 2019. Collection method: clinical testing. Allele origin: germline.
Comment: The ERCC6 c.2203C>T (p.Arg735Ter) variant is a stop-gained variant predicted to result in permature termination of the protein. The p.Arg735Ter variant has been reported in at least three studies in which it is found in a total of five patients, including one homozygote and two compound heterozygotes with Cockayne syndrome, and two homozygotes with de Sanctis-Cacchione syndrome (Mallery et al. 1998; Colella et al. 2000; Laugel et al. 2010). Control data are unavailable for this variant which is reported at a frequency of 0.00015 in the European (non-Finnish) population of the Exome Aggregation Consortium. Functional studies using primary fibroblast cell lines derived from patients with the p.Arg735Ter variant showed that the variant was associated with defective telomere maintenance as well as increased reactive oxygen species and mitochondrial oxidative stress but was not associated with nuclear DNA damage (Batenburg et al. 2012; Cleaver et al. 2014). Functional studies of induced pluripotent stem cells derived from skin fibroblasts carrying the p.Arg735Ter variant also showed that the lack of functional CSB protein caused by the variant did not prevent genetic reprogramming but did increase cell death and reactive oxygen species production (Andrade et al. 2012). Further, in a telomerase-immortalized cell line carrying the p.Arg375Ter variant in a homozygous state, addition of wild type CSB showed a significant decrease in the amount of cells with IR-induced 53BP1 foci and a significantly increased amount of cells with cyclin A and IR-induced foci of BRCA1, RPA, and Rad51, suggesting there is defective homologous recombination-mediated double strand break repair (Batenburg et al. 2015). Based on the collective evidence and the potential impact of stop-gained variants, the p.Arg275Ter variant is classified as pathogenic for ERCC6-related disorders. This variant was observed by ICSL as part of a predisposition screen in an ostensibly healthy population.

Genetic Services Laboratory, University of Chicago
Classification: Pathogenic for Cockayne syndrome, type B. Last evaluated: 2016-02-29. Review status: criteria provided, single submitter. Criteria: ACMG Guidelines, 2015. Collection method: clinical testing. Allele origin: germline. Affected: yes.

Claritas Genomics
Classification: Pathogenic for Cockayne syndrome, type B. Last evaluated: 2012-01-09. Review status: criteria provided, single submitter. Criteria: ACMG Guidelines, 2007. Collection method: clinical testing. Allele origin: germline. Inheritance: Autosomal recessive inheritance.

Counsyl
Classification: Pathogenic for DE SANCTIS-CACCHIONE SYNDROME. Last evaluated: 2017-03-16. Review status: no assertion criteria provided. Collection method: clinical testing. Allele origin: unknown. Not counted in ClinVar's aggregate classification.

OMIM
Classification: Pathogenic for COCKAYNE SYNDROME B. Last evaluated: 2000-05-01. Review status: no assertion criteria provided. Collection method: literature only. Allele origin: germline. Not counted in ClinVar's aggregate classification.

OMIM
Classification: Pathogenic for DE SANCTIS-CACCHIONE SYNDROME. Last evaluated: 2000-05-01. Review status: no assertion criteria provided. Collection method: literature only. Allele origin: germline. Not counted in ClinVar's aggregate classification.

Clinical Genetics DNA and cytogenetics Diagnostics Lab, Erasmus MC, Erasmus Medical Center
Classification: Pathogenic. Review status: no assertion criteria provided. Collection method: clinical testing. Allele origin: germline. Affected: yes. Study: VKGL Data-share Consensus. Not counted in ClinVar's aggregate classification.

Genomics England Pilot Project, Genomics England
Classification: Likely pathogenic for Cockayne syndrome type 2. Review status: no assertion criteria provided. Criteria: ACGS Guidelines, 2016. Collection method: clinical testing. Allele origin: germline. Affected: yes. Not counted in ClinVar's aggregate classification.

Joint Genome Diagnostic Labs from Nijmegen and Maastricht, Radboudumc and MUMC+
Classification: Pathogenic. Review status: no assertion criteria provided. Collection method: clinical testing. Allele origin: germline. Affected: yes. Study: VKGL Data-share Consensus. Not counted in ClinVar's aggregate classification.

Literature cited by the submitters: PubMed 9443879 (cited by 6 submitters); PubMed 30111349 (cited by Variantyx, Inc. and Mayo Clinic Laboratories, Mayo Clinic); PubMed 38177409 (cited by Variantyx, Inc. and DECIPHERD-UDD, Universidad del Desarrollo); PubMed 18628313 (cited by Labcorp Genetics (formerly Invitae), Labcorp); PubMed 29572252 (cited by 3 submitters); PubMed 25820262 (cited by Mayo Clinic Laboratories, Mayo Clinic and Illumina Laboratory Services, Illumina); PubMed 25136123 (cited by Mayo Clinic Laboratories, Mayo Clinic and Illumina Laboratory Services, Illumina); PubMed 22904069 (cited by Mayo Clinic Laboratories, Mayo Clinic and Illumina Laboratory Services, Illumina); PubMed 22661500 (cited by Mayo Clinic Laboratories, Mayo Clinic and Illumina Laboratory Services, Illumina); PubMed 19894250 (cited by 3 submitters); PubMed 10767341 (cited by 3 submitters).